The following is an entry in ClinVar:

NM_001851.6(COL9A1):c.410C>T (p.Ser137Phe)

Gene: COL9A1 (collagen type IX alpha 1 chain; minus strand). Cytogenetic location: 6q13.
Variant type: single nucleotide variant.
Coding change: c.410C>T on transcript NM_001851.6 (MANE Select); coding-DNA position 410, C replaced by T.
Protein change: p.Ser137Phe; replaces serine 137 with phenylalanine.
Molecular consequence: missense variant.
Genome position (GRCh38, 1-based): chr6:70,294,453, G>A on the plus strand (C>T on the coding strand, the complement: COL9A1 is on the minus strand). VCF-style: chr6-70294453-G-A. GRCh37 (hg19) VCF-style: chr6-71004156-G-A.
Other names: c.410C>T, p.Ser137Phe (NM_001377291.1); short protein forms S137F.
Identifiers: ClinVar variation 1012083 (VCV001012083.7), dbSNP rs1773776302, ClinGen allele CA364671594.

ClinVar aggregate classification (germline): Uncertain significance. Review status: criteria provided, multiple submitters, no conflicts (2 of 4 stars). 2 submissions from 2 submitters: Uncertain significance (2). Last evaluated 2023-12-01.

Allele frequency attached by ClinVar (database versions not stated): gnomAD 0.00001; TOPMed 0.00002.
gnomAD v4.1: 2 of 1,614,008 alleles (0.00012%); highest among the groups gnomAD compares: Admixed American, 0.0017%; no homozygotes.

Submissions (2):

Blueprint Genetics
Classification: Uncertain significance. Last evaluated: 2023-12-01. Review status: criteria provided, single submitter. Criteria: ACMG Guidelines, 2015. Collection method: clinical testing. Allele origin: germline.

Labcorp Genetics (formerly Invitae), Labcorp
Classification: Uncertain significance. Last evaluated: 2022-08-23. Review status: criteria provided, single submitter. Criteria: Invitae Variant Classification Sherloc (09022015). Collection method: clinical testing. Allele origin: germline.
Comment: This sequence change replaces serine, which is neutral and polar, with phenylalanine, which is neutral and non-polar, at codon 137 of the COL9A1 protein (p.Ser137Phe). This variant is not present in population databases (gnomAD no frequency). This variant has not been reported in the literature in individuals affected with COL9A1-related conditions. ClinVar contains an entry for this variant (Variation ID: 1012083). Advanced modeling of protein sequence and biophysical properties (such as structural, functional, and spatial information, amino acid conservation, physicochemical variation, residue mobility, and thermodynamic stability) performed at Invitae indicates that this missense variant is not expected to disrupt COL9A1 protein function. In summary, the available evidence is currently insufficient to determine the role of this variant in disease. Therefore, it has been classified as a Variant of Uncertain Significance.